The following is an entry in ClinVar:

NM_020800.3(IFT80):c.1926+13T>C

Genes: IFT80 (intraflagellar transport 80; minus strand), TRIM59-IFT80 (TRIM59-IFT80 readthrough (NMD candidate); minus strand). Cytogenetic location: 3q25.33.
Variant type: single nucleotide variant.
Coding change: c.1926+13T>C on transcript NM_020800.3 (MANE Select); 13 bases into the intron after coding-DNA position 1926, T replaced by C.
Molecular consequence: intron variant.
Genome position (GRCh38, 1-based): chr3:160,277,568, A>G on the plus strand (T>C on the coding strand, the complement: IFT80 is on the minus strand). VCF-style: chr3-160277568-A-G. GRCh37 (hg19) VCF-style: chr3-159995356-A-G.
Other names: c.1515+13T>C (NM_001190241.2, NM_001190242.2).
Identifiers: ClinVar variation 343965 (VCV000343965.17), dbSNP rs3737214, ClinGen allele CA2685018.
Genomic context (GRCh38, chr3:160,277,568, plus strand): 5'-GATAGTAACAGAAATATAATAAATTACGCTAAGAAAAAACACATGTACATATATGTAAAC[A>G]TTAATTACTTACTTCACCAATTGCTGCATAGGCTATTTCTGCAGTAGTCATATCTCGATT-3'

ClinVar aggregate classification (germline): Benign. Review status: criteria provided, multiple submitters, no conflicts (2 of 4 stars). 6 submissions from 6 submitters: Benign (4). 2 of the submissions do not count toward it. Last evaluated 2026-02-04.

Conditions:
Jeune thoracic dystrophy. Also called: Jeune syndrome; Infantile thoracic dystrophy; Thoracic pelvic phalangeal dystrophy; Jeune's syndrome; Chondroectodermal dysplasia-like syndrome; Short-rib thoracic dysplasia. Identifiers: Orphanet 474, MedGen C0265275, MONDO:0018770.
Asphyxiating thoracic dystrophy 2 (SRTD2). Also called: SHORT-RIB THORACIC DYSPLASIA 2 WITH OR WITHOUT POLYDACTYLY; SHORT-RIB THORACIC DYSPLASIA 2 WITH POLYDACTYLY; SHORT-RIB THORACIC DYSPLASIA 2 WITHOUT POLYDACTYLY. Identifiers: Orphanet 474, MedGen C1970005, MONDO:0012644, OMIM 611263.

Allele frequency attached by ClinVar (database versions not stated): 1000 Genomes Project 0.11342; 1000 Genomes Project 30x 0.11524; TOPMed 0.15812; gnomAD 0.17157 and 0.17528; gnomAD exomes 0.17306; ExAC 0.17588; ESP Exome Variant Server 0.17969.
gnomAD v4.1: 320,257 of 1,599,886 alleles (20%); highest among the groups gnomAD compares: Non-Finnish European, 22%; 34,466 homozygotes.

Submissions (6):

Labcorp Genetics (formerly Invitae), Labcorp
Classification: Benign for Jeune thoracic dystrophy. Last evaluated: 2026-02-04. Review status: criteria provided, single submitter. Criteria: Invitae Variant Classification Sherloc (09022015). Collection method: clinical testing. Allele origin: germline.

Illumina Laboratory Services, Illumina
Classification: Benign for Asphyxiating thoracic dystrophy 2. Last evaluated: 2018-01-13. Review status: criteria provided, single submitter. Criteria: ICSL Variant Classification Criteria 13 December 2019. Collection method: clinical testing. Allele origin: germline.
Comment: This variant was observed in the ICSL laboratory as part of a predisposition screen in an ostensibly healthy population. It had not been previously curated by ICSL or reported in the Human Gene Mutation Database (HGMD: prior to June 1st, 2018), and was therefore a candidate for classification through an automated scoring system. Utilizing variant allele frequency, disease prevalence and penetrance estimates, and inheritance mode, an automated score was calculated to assess if this variant is too frequent to cause the disease. Based on the score and internal cut-off values, a variant classified as benign is not then subjected to further curation. The score for this variant resulted in a classification of benign for this disease.

GeneDx
Classification: Benign. Last evaluated: 2017-10-26. Review status: criteria provided, single submitter. Criteria: GeneDx Variant Classification (06012015). Collection method: clinical testing. Allele origin: germline. Affected: yes.
Comment: This variant is considered likely benign or benign based on one or more of the following criteria: it is a conservative change, it occurs at a poorly conserved position in the protein, it is predicted to be benign by multiple in silico algorithms, and/or has population frequency not consistent with disease.

Breakthrough Genomics
Classification: Benign. Review status: criteria provided, single submitter. Criteria: ACMG Guidelines, 2015. Collection method: not provided. Allele origin: germline. Inheritance: Autosomal recessive inheritance. Affected: yes.

Clinical Genetics DNA and cytogenetics Diagnostics Lab, Erasmus MC, Erasmus Medical Center
Classification: Benign. Review status: no assertion criteria provided. Collection method: clinical testing. Allele origin: germline. Affected: yes. Study: VKGL Data-share Consensus. Not counted in ClinVar's aggregate classification.

Joint Genome Diagnostic Labs from Nijmegen and Maastricht, Radboudumc and MUMC+
Classification: Benign. Review status: no assertion criteria provided. Collection method: clinical testing. Allele origin: germline. Affected: yes. Study: VKGL Data-share Consensus. Not counted in ClinVar's aggregate classification.